The following is an entry in ClinVar:

ClinVar aggregate classification (germline): Uncertain significance (1 of 4 stars; one submission).

gnomAD v4.1: 21 of 1,613,758 alleles (0.0013%); highest among the groups gnomAD compares: African/African-American, 0.024%; no homozygotes.

Submission:

Mayo Clinic Laboratories, Mayo Clinic
Classification: Uncertain significance. Last evaluated: 2025-06-06. Review status: criteria provided, single submitter. Criteria: ACMG Guidelines, 2015. Collection method: clinical testing. Allele origin: germline. Observed: 1 variant allele.
Comment: PM2_supporting

NM_001379081.2(FREM1):c.2763C>G (p.Ser921Arg)

Genes: FREM1 (FRAS1 related extracellular matrix 1; minus strand), LOC126860582 (P300/CBP strongly-dependent group 1 enhancer GRCh37_chr9:14812530-14813729; plus strand). Cytogenetic location: 9p22.3.
Variant type: single nucleotide variant.
Coding change: c.2763C>G on transcript NM_001379081.2 (MANE Select); coding-DNA position 2763, C replaced by G.
Protein change: p.Ser921Arg; replaces serine 921 with arginine.
Molecular consequence: missense variant. On other transcripts: non-coding transcript variant (2).
Genome position (GRCh38, 1-based): chr9:14,812,942, G>C on the plus strand (C>G on the coding strand, the complement: FREM1 is on the minus strand). VCF-style: chr9-14812942-G-C. GRCh37 (hg19) VCF-style: chr9-14812940-G-C.
Other names: p.Ser921Arg; c.2763C>G, p.Ser921Arg (NM_144966.7); short protein forms S921R.
Identifiers: ClinVar variation 4541420 (VCV004541420.1).